The following is an entry in ClinVar:

ClinVar aggregate classification (germline): Conflicting classifications of pathogenicity. Review status: criteria provided, conflicting classifications (1 of 4 stars). 2 submissions from 2 submitters: Pathogenic (1); Uncertain significance (1). Last evaluated 2026-04-13.

Conditions:
Pyruvate dehydrogenase E1-alpha deficiency (PDHAD). Also called: ATAXIA, INTERMITTENT, WITH PYRUVATE DEHYDROGENASE DEFICIENCY; ATAXIA WITH LACTIC ACIDOSIS I; ATAXIA, INTERMITTENT, WITH ABNORMAL PYRUVATE METABOLISM; Ataxia, intermittent, with pyruvate dehydrogenase, or decarboxylase, deficiency. Identifiers: Orphanet 79243, MedGen C1839413, MONDO:0010717, OMIM 312170.

Submissions (2):

GeneDx
Classification: Uncertain significance. Last evaluated: 2026-04-13. Review status: criteria provided, single submitter. Criteria: GeneDx Variant Classification Process June 2021. Collection method: clinical testing. Allele origin: germline.
Comment: Not observed at significant frequency in large population cohorts (gnomAD); In silico analysis supports that this missense variant has a deleterious effect on protein structure/function; Has not been previously published as pathogenic or benign to our knowledge

Labcorp Genetics (formerly Invitae), Labcorp
Classification: Pathogenic for Pyruvate dehydrogenase E1-alpha deficiency. Last evaluated: 2022-11-28. Review status: criteria provided, single submitter. Criteria: Invitae Variant Classification Sherloc (09022015). Collection method: clinical testing. Allele origin: germline.
Comment: This sequence change replaces cysteine, which is neutral and slightly polar, with tyrosine, which is neutral and polar, at codon 218 of the PDHA1 protein (p.Cys218Tyr). This variant is not present in population databases (gnomAD no frequency). This missense change has been observed in individual(s) with clinical features consistent with pyruvate dehydrogenase deficiency (Invitae). In at least one individual the variant was observed to be de novo. Advanced modeling of protein sequence and biophysical properties (such as structural, functional, and spatial information, amino acid conservation, physicochemical variation, residue mobility, and thermodynamic stability) performed at Invitae indicates that this missense variant is expected to disrupt PDHA1 protein function. For these reasons, this variant has been classified as Pathogenic.

NM_000284.4(PDHA1):c.653G>A (p.Cys218Tyr)

Gene: PDHA1 (pyruvate dehydrogenase E1 subunit alpha 1; plus strand). Cytogenetic location: Xp22.12.
Variant type: single nucleotide variant.
Coding change: c.653G>A on transcript NM_000284.4 (MANE Select); coding-DNA position 653, G replaced by A.
Protein change: p.Cys218Tyr; replaces cysteine 218 with tyrosine.
Molecular consequence: missense variant.
Genome position (GRCh38, 1-based): chrX:19,355,398, G>A. VCF-style: chrX-19355398-G-A. GRCh37 (hg19) VCF-style: chrX-19373516-G-A.
Other names: c.767G>A, p.Cys256Tyr (NM_001173454.2); c.674G>A, p.Cys225Tyr (NM_001173455.2); c.560G>A, p.Cys187Tyr (NM_001173456.2); c.653G>A (NM_000284.3); short protein forms C187Y, C256Y, C225Y, C218Y.
Identifiers: ClinVar variation 2000808 (VCV002000808.5), dbSNP rs2518499712, ClinGen allele CA412394454.